The following is an entry in ClinVar:

NM_001195.5(BFSP1):c.468A>G (p.Leu156=)

Gene: BFSP1 (beaded filament structural protein 1; minus strand). Cytogenetic location: 20p12.1.
Variant type: single nucleotide variant.
Coding change: c.468A>G on transcript NM_001195.5 (MANE Select); coding-DNA position 468, A replaced by G.
Protein change: p.Leu156=; no amino-acid change (leucine 156 retained).
Molecular consequence: synonymous variant.
Genome position (GRCh38, 1-based): chr20:17,514,787, T>C on the plus strand (A>G on the coding strand, the complement: BFSP1 is on the minus strand). VCF-style: chr20-17514787-T-C. GRCh37 (hg19) VCF-style: chr20-17495432-T-C.
Other names: c.93A>G, p.Leu31= (NM_001161705.2); c.51A>G, p.Leu17= (NM_001278606.2, NM_001278608.2); c.135A>G, p.Leu45= (NM_001278607.2); c.468A>G, p.Leu156= (NM_001424338.1).
Identifiers: ClinVar variation 3344287 (VCV003344287.1).

ClinVar aggregate classification (germline): Likely benign (0 of 4 stars; one submission).

Conditions:
BFSP1-related disorder. Also called: BFSP1-related condition.

gnomAD v4.1: 73 of 1,613,740 alleles (0.0045%); highest among the groups gnomAD compares: Non-Finnish European, 0.0058%; no homozygotes.

Submission:

PreventionGenetics, part of Exact Sciences
Classification: Likely benign for BFSP1-related condition. Last evaluated: 2024-05-02. Review status: no assertion criteria provided. Collection method: clinical testing. Allele origin: germline.
Comment: This variant is classified as likely benign based on ACMG/AMP sequence variant interpretation guidelines (Richards et al. 2015 PMID: 25741868, with internal and published modifications).